The following is an entry in ClinVar:

NM_052899.3(GPRIN1):c.702_714del (p.Asp234fs)

Gene: GPRIN1 (G protein regulated inducer of neurite outgrowth 1; minus strand). Cytogenetic location: 5q35.2.
Variant type: Deletion.
Coding change: c.702_714del on transcript NM_052899.3 (MANE Select); coding-DNA positions 702 to 714, 13 bases deleted (TCCTGGGTCTTTG).
Protein change: p.Asp234fs; shifts the reading frame from aspartic acid 234.
Molecular consequence: frameshift variant.
Genome position (GRCh38, 1-based): chr5:176,599,121-176,599,133, CAAAGACCCAGGA deleted on the plus strand (TCCTGGGTCTTTG on the coding strand, the reverse complement: GPRIN1 is on the minus strand). VCF-style (leftmost placement, unchanged base first): chr5-176599120-TCAAAGACCCAGGA-T. GRCh37 (hg19) VCF-style: chr5-176026121-TCAAAGACCCAGGA-T.
Other names: short protein forms D234fs.
Identifiers: ClinVar variation 1227120 (VCV001227120.3), dbSNP rs761227225, ClinGen allele CA3571980.

ClinVar aggregate classification (germline): Benign (1 of 4 stars; one submission).

Allele frequency attached by ClinVar (database versions not stated): ESP Exome Variant Server 0.14647; ExAC 0.26160; gnomAD exomes 0.26181 and 0.26944; gnomAD 0.27254 and 0.27607; 1000 Genomes Project 30x 0.28170.

Submission:

GeneDx
Classification: Benign. Last evaluated: 2018-07-13. Review status: criteria provided, single submitter. Criteria: GeneDx Variant Classification Process June 2021. Collection method: clinical testing. Allele origin: germline. Affected: yes.
Comment: This variant is associated with the following publications: (PMID: 25363768)